The following is an entry in ClinVar:

ClinVar aggregate classification (germline): Uncertain significance. Review status: criteria provided, multiple submitters, no conflicts (2 of 4 stars). 4 submissions from 4 submitters: Uncertain significance (4). Last evaluated 2026-03-22.

Conditions:
GDF1-related disorder. Also called: GDF1-related condition.
Congenital heart defects, multiple types, 6 (CHTD6). Identifiers: Orphanet 860, MedGen C3151221, MONDO:0013463, OMIM 613854.

Allele frequency attached by ClinVar (database versions not stated): TOPMed 0.00001.

Submissions (4):

PreventionGenetics, part of Exact Sciences
Classification: Uncertain significance for GDF1-related condition. Last evaluated: 2026-03-22. Review status: criteria provided, single submitter. Criteria: ACMG Guidelines, 2015. Collection method: clinical testing. Allele origin: germline.
Comment: The GDF1 c.812G>C variant is predicted to result in the amino acid substitution p.Arg271Pro. To our knowledge, this variant has not been reported in the literature or in a large population database (gnomAD), indicating this variant is rare. At this time, the clinical significance of this variant is uncertain due to the absence of conclusive functional and genetic evidence.

GeneDx
Classification: Uncertain significance. Last evaluated: 2025-12-10. Review status: criteria provided, single submitter. Criteria: GeneDx Variant Classification Process June 2021. Collection method: clinical testing. Allele origin: germline.
Comment: Not observed at significant frequency in large population cohorts (gnomAD); In silico analysis supports that this missense variant has a deleterious effect on protein structure/function; Has not been previously published as pathogenic or benign to our knowledge

Centro Nacional de Genética Medica, Administración Nacional de Laboratorios e Institutos de Salud (ANLIS) “Dr. Carlos G Malbrán”
Classification: Uncertain significance for Congenital heart defects, multiple types, 6. Last evaluated: 2024-08-01. Review status: criteria provided, single submitter. Criteria: ACMG Guidelines, 2015. Collection method: research. Allele origin: germline. Affected: yes. Observed: 1 variant allele.
Comment: This substitution results in the change of the amino acid arginine at position 271, a hydrophilic, positively charged basic residue, to proline, an apolar aliphatic residue. This amino acid has a secondary amino group (imino) in its aliphatic side chain with a special cyclic structure that gives it a rigid conformation (p.Arg271Pro). The variant is located in the TGF-β functional domain of the protein (PM1). The variant found is not present in population databases such as GnomAD, ExAc, or 1000 Genomes (PM2_Supporting).

Labcorp Genetics (formerly Invitae), Labcorp
Classification: Uncertain significance. Last evaluated: 2021-08-31. Review status: criteria provided, single submitter. Criteria: Invitae Variant Classification Sherloc (09022015). Collection method: clinical testing. Allele origin: germline.
Comment: This sequence change replaces arginine with proline at codon 271 of the GDF1 protein (p.Arg271Pro). The arginine residue is highly conserved and there is a moderate physicochemical difference between arginine and proline. The frequency data for this variant in the population databases is considered unreliable, as metrics indicate insufficient coverage at this position in the ExAC database. This variant has not been reported in the literature in individuals affected with GDF1-related conditions. Algorithms developed to predict the effect of missense changes on protein structure and function are either unavailable or do not agree on the potential impact of this missense change (SIFT: "Deleterious"; PolyPhen-2: "Probably Damaging"; Align-GVGD: "Class C15"). In summary, the available evidence is currently insufficient to determine the role of this variant in disease. Therefore, it has been classified as a Variant of Uncertain Significance.

NM_001492.6(GDF1):c.812G>C (p.Arg271Pro)

Genes: CERS1 (ceramide synthase 1; minus strand), GDF1 (growth differentiation factor 1; minus strand). Cytogenetic location: 19p13.11.
Variant type: single nucleotide variant.
Coding change: c.812G>C on transcript NM_001492.6 (MANE Select); coding-DNA position 812, G replaced by C.
Protein change: p.Arg271Pro; replaces arginine 271 with proline.
Molecular consequence: missense variant. On other transcripts: 3 prime UTR variant (2).
Genome position (GRCh38, 1-based): chr19:18,868,904, C>G on the plus strand (G>C on the coding strand, the complement: GDF1 is on the minus strand). VCF-style: chr19-18868904-C-G. GRCh37 (hg19) VCF-style: chr19-18979713-C-G.
Other names: c.812G>C; p.Arg271Pro; p.R271P; c.*1673G>C (NM_001387440.1); c.*1081G>C (NM_021267.5); c.812G>C, p.Arg271Pro (NM_001387438.1); short protein forms R271P.
Identifiers: ClinVar variation 966764 (VCV000966764.11), dbSNP rs2055905199, ClinGen allele CA404862324.